The following is an entry in ClinVar:

NM_002661.5(PLCG2):c.629T>C (p.Met210Thr)

Gene: PLCG2 (phospholipase C gamma 2; plus strand). Cytogenetic location: 16q23.3.
Variant type: single nucleotide variant.
Coding change: c.629T>C on transcript NM_002661.5 (MANE Select); coding-DNA position 629, T replaced by C.
Protein change: p.Met210Thr; replaces methionine 210 with threonine.
Molecular consequence: missense variant.
Genome position (GRCh38, 1-based): chr16:81,870,916, T>C. VCF-style: chr16-81870916-T-C. GRCh37 (hg19) VCF-style: chr16-81904521-T-C.
Other names: short protein forms M210T.
Identifiers: ClinVar variation 1055553 (VCV001055553.9), dbSNP rs201487295, ClinGen allele CA8193316.

ClinVar aggregate classification (germline): Uncertain significance (1 of 4 stars; one submission).

Conditions:
Familial cold autoinflammatory syndrome 3 (FCAS3). Also called: FAMILIAL ATYPICAL COLD URTICARIA; ANTIBODY DEFICIENCY AND IMMUNE DYSREGULATION, PLCG2-ASSOCIATED. Identifiers: Orphanet 300359, MedGen C3280914, MONDO:0013766, OMIM 614468.

Allele frequency attached by ClinVar (database versions not stated): ExAC 0.00001; gnomAD 0.00001; gnomAD exomes 0.00001.
gnomAD v4.1: 11 of 1,590,694 alleles (0.00069%); highest among the groups gnomAD compares: African/African-American, 0.0027%; no homozygotes.

Submission:

Labcorp Genetics (formerly Invitae), Labcorp
Classification: Uncertain significance for Familial cold autoinflammatory syndrome 3. Last evaluated: 2025-10-19. Review status: criteria provided, single submitter. Criteria: Invitae Variant Classification Sherloc (09022015). Collection method: clinical testing. Allele origin: germline.
Comment: This sequence change replaces methionine, which is neutral and non-polar, with threonine, which is neutral and polar, at codon 210 of the PLCG2 protein (p.Met210Thr). This variant is present in population databases (rs201487295, gnomAD 0.005%). This variant has not been reported in the literature in individuals affected with PLCG2-related conditions. ClinVar contains an entry for this variant (Variation ID: 1055553). An algorithm developed to predict the effect of missense changes on protein structure and function (PolyPhen-2) suggests that this variant is likely to be disruptive. In summary, the available evidence is currently insufficient to determine the role of this variant in disease. Therefore, it has been classified as a Variant of Uncertain Significance.